The following is an entry in ClinVar:

ClinVar aggregate classification (germline): Pathogenic/Likely pathogenic. Review status: criteria provided, multiple submitters, no conflicts (2 of 4 stars). 3 submissions from 3 submitters: Pathogenic (1); Likely pathogenic (2). Last evaluated 2025-05-11.

Conditions:
Generalized epilepsy with febrile seizures plus 3 (GEFSP3). Also called: GEFS+, TYPE 3. Identifiers: MedGen C1858674.
Febrile seizures, familial, 8 (FEB8). Also called: CONVULSIONS, FAMILIAL FEBRILE, 8. Identifiers: Orphanet 36387, MedGen C1969810, MONDO:0011891, OMIM 607681.
Developmental and epileptic encephalopathy, 74. Also called: EPILEPTIC ENCEPHALOPATHY, EARLY INFANTILE, 74. Identifiers: MedGen C5193074, MONDO:0032725, OMIM 618396.
Inborn genetic diseases. Identifiers: MedGen C0950123, MeSH D030342.
EPILEPSY, CHILDHOOD ABSENCE, SUSCEPTIBILITY TO, 2 (ECA2). Identifiers: Orphanet 64280, MedGen C1843244, OMIM 607681.

Submissions (3):

Labcorp Genetics (formerly Invitae), Labcorp
Classification: Likely pathogenic for Febrile seizures, familial, 8; EPILEPSY, CHILDHOOD ABSENCE, SUSCEPTIBILITY TO, 2. Last evaluated: 2025-05-11. Review status: criteria provided, single submitter. Criteria: Invitae Variant Classification Sherloc (09022015). Collection method: clinical testing. Allele origin: germline.
Comment: This sequence change affects a donor splice site in intron 2 of the GABRG2 gene. It is expected to disrupt RNA splicing. Variants that disrupt the donor or acceptor splice site typically lead to a loss of protein function (PMID: 16199547), and loss-of-function variants in GABRG2 are known to be pathogenic (PMID: 22539854, 22750526, 24407264). This variant is not present in population databases (gnomAD no frequency). Disruption of this splice site has been observed in individual(s) with GABRG2-related conditions (internal data). ClinVar contains an entry for this variant (Variation ID: 1793515). Algorithms developed to predict the effect of sequence changes on RNA splicing suggest that this variant may disrupt the consensus splice site. In summary, the currently available evidence indicates that the variant is pathogenic, but additional data are needed to prove that conclusively. Therefore, this variant has been classified as Likely Pathogenic.

Department of Neurology, Zibo Changguo Hospital
Classification: Pathogenic for Developmental and epileptic encephalopathy, 74; Febrile seizures, familial, 8; Generalized epilepsy with febrile seizures plus 3. Last evaluated: 2025-01-08. Review status: criteria provided, single submitter. Criteria: ACMG Guidelines, 2015. Collection method: clinical testing. Allele origin: de novo. Inheritance: Autosomal dominant inheritance. Affected: yes.
Comment: PVS1, PM6, PM2_Supporting

Ambry Genetics
Classification: Likely pathogenic for Inborn genetic diseases. Last evaluated: 2017-12-20. Review status: criteria provided, single submitter. Criteria: Ambry Variant Classification Scheme 2023. Collection method: clinical testing. Allele origin: germline.
Comment: The c.259+1G>A intronic variant results from a G to A substitution one nucleotide after coding exon 2 of the GABRG2 gene. This nucleotide position is highly conserved in available vertebrate species. Using the BDGP and ESEfinder splice site prediction tools, this alteration is predicted to abolish the native splice donor site; however, direct evidence is unavailable. Alterations that disrupt the canonical splice site are expected to cause aberrant splicing, resulting in an abnormal protein or a transcript that is subject to nonsense-mediated mRNA decay. As such, this alteration is classified as likely pathogenic.

Literature cited by the submitters: PubMed 16199547 (cited by Labcorp Genetics (formerly Invitae), Labcorp); PubMed 22539854 (cited by Labcorp Genetics (formerly Invitae), Labcorp); PubMed 22750526 (cited by Labcorp Genetics (formerly Invitae), Labcorp); PubMed 24407264 (cited by Labcorp Genetics (formerly Invitae), Labcorp).

NM_198904.4(GABRG2):c.259+1G>A

Gene: GABRG2 (gamma-aminobutyric acid type A receptor subunit gamma2; plus strand). Cytogenetic location: 5q34.
Variant type: single nucleotide variant.
Coding change: c.259+1G>A on transcript NM_198904.4 (MANE Select); the canonical splice donor site of the intron after coding-DNA position 259, G replaced by A.
Molecular consequence: splice donor variant.
Genome position (GRCh38, 1-based): chr5:162,093,980, G>A. VCF-style: chr5-162093980-G-A. GRCh37 (hg19) VCF-style: chr5-161520986-G-A.
Other names: c.-27+1G>A (NM_001375349.1); c.259+1G>A (NM_001375343.1, NM_001375344.1, NM_001375340.1 and 4 more transcripts); c.-100+1G>A (NM_001375350.1, NM_001375348.1); c.250+1G>A (NM_001375339.1); c.193+1G>A (NM_001375346.1, NM_001375345.1); c.172+1G>A (NM_001375347.1).
Identifiers: ClinVar variation 1793515 (VCV001793515.4), dbSNP rs2113298764, ClinGen allele CA362183161.
Genomic context (GRCh38, chr5:162,093,980, plus strand): 5'-CTGTCATCTTAAACAACCTGCTGGAAGGATATGACAATAAACTTCGGCCTGATATAGGAG[G>A]TTTGTTAAAGTCTTTTGCGTTGTGCTATAGATAGGAGCACATAAACATGTCTACTTTAAT-3'